The following is an entry in ClinVar:

NM_001042492.3(NF1):c.1284G>T (p.Lys428Asn)

Gene: NF1 (neurofibromin 1; plus strand). Cytogenetic location: 17q11.2.
Variant type: single nucleotide variant.
Coding change: c.1284G>T on transcript NM_001042492.3 (MANE Select); coding-DNA position 1284, G replaced by T.
Protein change: p.Lys428Asn; replaces lysine 428 with asparagine.
Molecular consequence: missense variant.
Genome position (GRCh38, 1-based): chr17:31,206,263, G>T. VCF-style: chr17-31206263-G-T. GRCh37 (hg19) VCF-style: chr17-29533281-G-T.
Other names: c.1284G>T, p.Lys428Asn (NM_000267.4, NM_001128147.3); short protein forms K428N.
Identifiers: ClinVar variation 3239918 (VCV003239918.2), dbSNP rs2143913823.

ClinVar aggregate classification (germline): Uncertain significance. Review status: criteria provided, multiple submitters, no conflicts (2 of 4 stars). 2 submissions from 2 submitters: Uncertain significance (2). Last evaluated 2025-07-15.

Conditions:
Juvenile myelomonocytic leukemia (JMML). Also called: LEUKEMIA, JUVENILE MYELOMONOCYTIC, SOMATIC. Identifiers: Orphanet 86834, MedGen C0349639, MONDO:0011908, OMIM 607785, HP:0012209.
Neurofibromatosis, type 1 (NF1). Also called: VON RECKLINGHAUSEN DISEASE; Neurofibromatosis, type I; NEUROFIBROMATOSIS, TYPE I, SOMATIC; Peripheral type neurofibromatosis. Identifiers: Orphanet 636, MedGen C0027831, MONDO:0018975, OMIM 162200. Disease mechanism: loss of function.

Submissions (2):

Labcorp Genetics (formerly Invitae), Labcorp
Classification: Uncertain significance for Neurofibromatosis, type 1. Last evaluated: 2025-07-15. Review status: criteria provided, single submitter. Criteria: Invitae Variant Classification Sherloc (09022015). Collection method: clinical testing. Allele origin: germline.
Comment: This sequence change replaces lysine, which is basic and polar, with asparagine, which is neutral and polar, at codon 428 of the NF1 protein (p.Lys428Asn). This variant is not present in population databases (gnomAD no frequency). This variant has not been reported in the literature in individuals affected with NF1-related conditions. ClinVar contains an entry for this variant (Variation ID: 3239918). Invitae Evidence Modeling of protein sequence and biophysical properties (such as structural, functional, and spatial information, amino acid conservation, physicochemical variation, residue mobility, and thermodynamic stability) has been performed for this missense variant. However, the output from this modeling did not meet the statistical confidence thresholds required to predict the impact of this variant on NF1 protein function. In summary, the available evidence is currently insufficient to determine the role of this variant in disease. Therefore, it has been classified as a Variant of Uncertain Significance.

Baylor Genetics
Classification: Uncertain significance for Juvenile myelomonocytic leukemia. Last evaluated: 2024-03-14. Review status: criteria provided, single submitter. Criteria: ACMG Guidelines, 2015. Collection method: clinical testing. Allele origin: unknown.